The following is an entry in ClinVar:

NM_005751.5(AKAP9):c.11348G>A (p.Arg3783Gln)

Gene: AKAP9 (A-kinase anchoring protein 9; plus strand). Cytogenetic location: 7q21.2.
Variant type: single nucleotide variant.
Coding change: c.11348G>A on transcript NM_005751.5 (MANE Select); coding-DNA position 11348, G replaced by A.
Protein change: p.Arg3783Gln; replaces arginine 3783 with glutamine.
Molecular consequence: missense variant.
Genome position (GRCh38, 1-based): chr7:92,105,695, G>A. VCF-style: chr7-92105695-G-A. GRCh37 (hg19) VCF-style: chr7-91735009-G-A.
Other names: c.5993G>A, p.Arg1998Gln (NM_001379277.1); c.11324G>A, p.Arg3775Gln (NM_147185.3); short protein forms R3775Q, R3783Q, R1998Q.
Identifiers: ClinVar variation 871121 (VCV000871121.47), dbSNP rs143967328, ClinGen allele CA4338174.
Genomic context (GRCh38, chr7:92,105,695, plus strand): 5'-TTTATAGATGGGCTGTGAAATTTTATCTTGGAATCTTTTTTAGAATGAAATTTTTGGTTC[G>A]ACGGTGGCATCGAGTCACAGGTTCTGTTTCCATCAATATTAACAGAGATGGCTTTGGACT-3'
Protein context (NP_005742.4, residues 3773-3793): IAISRMKFLV[Arg3783Gln]RWHRVTGSVS

ClinVar aggregate classification (germline): Conflicting classifications of pathogenicity. Review status: criteria provided, conflicting classifications (1 of 4 stars). 5 submissions from 5 submitters: Uncertain significance (4); Likely benign (1). Last evaluated 2025-04-16.

Conditions:
Long QT syndrome (LQTS). Identifiers: MedGen C0023976, MeSH D008133, MONDO:0002442. Disease mechanism: loss of function. Inheritance: Various modes of inheritance.
Cardiovascular phenotype. Identifiers: MedGen CN230736.

Allele frequency attached by ClinVar (database versions not stated): gnomAD 0.00001; TOPMed 0.00001; ExAC 0.00003; gnomAD exomes 0.00003; ESP Exome Variant Server 0.00008.
gnomAD v4.1: 48 of 1,613,962 alleles (0.003%); highest among the groups gnomAD compares: Middle Eastern, 0.016%; no homozygotes.

Submissions (5):

Ambry Genetics
Classification: Uncertain significance for Cardiovascular phenotype. Last evaluated: 2025-04-16. Review status: criteria provided, single submitter. Criteria: Ambry Variant Classification Scheme 2023. Collection method: clinical testing. Allele origin: germline.
Comment: The p.R3783Q variant (also known as c.11348G>A), located in coding exon 47 of the AKAP9 gene, results from a G to A substitution at nucleotide position 11348. The arginine at codon 3783 is replaced by glutamine, an amino acid with highly similar properties. This amino acid position is highly conserved in available vertebrate species. In addition, this alteration is predicted to be tolerated by in silico analysis. Based on the available evidence, the clinical significance of this variant remains unclear.

Blueprint Genetics
Classification: Likely benign. Last evaluated: 2024-10-28. Review status: criteria provided, single submitter. Criteria: ACMG Guidelines, 2015. Collection method: clinical testing. Allele origin: germline.

Labcorp Genetics (formerly Invitae), Labcorp
Classification: Uncertain significance for Long QT syndrome. Last evaluated: 2024-03-17. Review status: criteria provided, single submitter. Criteria: Invitae Variant Classification Sherloc (09022015). Collection method: clinical testing. Allele origin: germline.
Comment: This sequence change replaces arginine, which is basic and polar, with glutamine, which is neutral and polar, at codon 3783 of the AKAP9 protein (p.Arg3783Gln). This variant is present in population databases (rs143967328, gnomAD 0.01%). This variant has not been reported in the literature in individuals affected with AKAP9-related conditions. ClinVar contains an entry for this variant (Variation ID: 871121). Algorithms developed to predict the effect of missense changes on protein structure and function output the following: SIFT: "Not Available"; PolyPhen-2: "Benign"; Align-GVGD: "Not Available". The glutamine amino acid residue is found in multiple mammalian species, which suggests that this missense change does not adversely affect protein function. Algorithms developed to predict the effect of sequence changes on RNA splicing suggest that this variant may disrupt the consensus splice site. In summary, the available evidence is currently insufficient to determine the role of this variant in disease. Therefore, it has been classified as a Variant of Uncertain Significance.

Women's Health and Genetics/Laboratory Corporation of America, LabCorp
Classification: Uncertain significance. Last evaluated: 2020-03-23. Review status: criteria provided, single submitter. Criteria: LabCorp Variant Classification Summary - May 2015. Collection method: clinical testing. Allele origin: germline.
Comment: Variant summary: AKAP9 c.11348G>A (p.Arg3783Gln) results in a conservative amino acid change located in the Pericentrin/AKAP-450 centrosomal targeting domain (IPR019528) of the encoded protein sequence. Three of five in-silico tools predict a damaging effect of the variant on protein function. The variant allele was found at a frequency of 2.8e-05 in 251472 control chromosomes (gnomAD). The available data on variant occurrences in the general population are insufficient to allow any conclusion about variant significance. To our knowledge, no occurrence of c.11348G>A in individuals affected with Arrhythmia and no experimental evidence demonstrating its impact on protein function have been reported. No clinical diagnostic laboratories have submitted clinical-significance assessments for this variant to ClinVar after 2014. Based on the evidence outlined above, the variant was classified as uncertain significance.

CeGaT Center for Human Genetics Tuebingen
Classification: Uncertain significance. Last evaluated: 2019-07-01. Review status: criteria provided, single submitter. Criteria: CeGaT Center For Human Genetics Tuebingen Variant Classification Criteria Version 2. Collection method: clinical testing. Allele origin: germline. Affected: yes. Observed: 1 variant allele.